The following is an entry in ClinVar:

NM_001171613.2(PREPL):c.878G>A (p.Arg293Gln)

Gene: PREPL (prolyl endopeptidase like; minus strand). Cytogenetic location: 2p21.
Variant type: single nucleotide variant.
Coding change: c.878G>A on transcript NM_001171613.2 (MANE Select); coding-DNA position 878, G replaced by A.
Protein change: p.Arg293Gln; replaces arginine 293 with glutamine.
Molecular consequence: missense variant. On other transcripts: intron variant (1).
Genome position (GRCh38, 1-based): chr2:44,338,361, C>T on the plus strand (G>A on the coding strand, the complement: PREPL is on the minus strand). VCF-style: chr2-44338361-C-T. GRCh37 (hg19) VCF-style: chr2-44565500-C-T.
Other names: c.1145G>A, p.Arg382Gln (NM_001042386.2, NM_001171603.1, NM_001171606.2 and 3 more transcripts); c.878G>A, p.Arg293Gln (NM_001171617.1, NM_001374277.1); c.969+786G>A (NM_001042385.2); short protein forms R293Q, R382Q.
Identifiers: ClinVar variation 4873396 (VCV004873396.2).

ClinVar aggregate classification (germline): Uncertain significance (1 of 4 stars; one submission).

gnomAD v4.1: 24 of 1,610,600 alleles (0.0015%); highest among the groups gnomAD compares: Non-Finnish European, 0.002%; no homozygotes.

Submission:

CeGaT Center for Human Genetics Tuebingen
Classification: Uncertain significance. Last evaluated: 2026-05-01. Review status: criteria provided, single submitter. Criteria: CeGaT Center For Human Genetics Tuebingen Variant Classification Criteria Version 2. Collection method: clinical testing. Allele origin: germline. Affected: yes. Observed: 1 variant allele.
Comment: PREPL: PM2, BP4